The following is an entry in ClinVar:

ClinVar aggregate classification (germline): Uncertain significance (1 of 4 stars; one submission).

Submission:

Labcorp Genetics (formerly Invitae), Labcorp
Classification: Uncertain significance. Last evaluated: 2022-04-19. Review status: criteria provided, single submitter. Criteria: Invitae Variant Classification Sherloc (09022015). Collection method: clinical testing. Allele origin: germline.
Comment: In summary, the available evidence is currently insufficient to determine the role of this variant in disease. Therefore, it has been classified as a Variant of Uncertain Significance. Algorithms developed to predict the effect of missense changes on protein structure and function output the following: SIFT: "Tolerated"; PolyPhen-2: "Benign"; Align-GVGD: "Class C0". The asparagine amino acid residue is found in multiple mammalian species, which suggests that this missense change does not adversely affect protein function. This variant has not been reported in the literature in individuals affected with RGS9-related conditions. This variant is not present in population databases (gnomAD no frequency). This sequence change replaces aspartic acid, which is acidic and polar, with asparagine, which is neutral and polar, at codon 198 of the RGS9 protein (p.Asp198Asn).

NM_003835.4(RGS9):c.592G>A (p.Asp198Asn)

Gene: RGS9 (regulator of G protein signaling 9; plus strand). Cytogenetic location: 17q24.1.
Variant type: single nucleotide variant.
Coding change: c.592G>A on transcript NM_003835.4 (MANE Select); coding-DNA position 592, G replaced by A.
Protein change: p.Asp198Asn; replaces aspartic acid 198 with asparagine.
Molecular consequence: missense variant.
Genome position (GRCh38, 1-based): chr17:65,177,741, G>A. VCF-style: chr17-65177741-G-A. GRCh37 (hg19) VCF-style: chr17-63173859-G-A.
Other names: c.592G>A, p.Asp198Asn (NM_001081955.3, NM_001165933.2); short protein forms D198N.
Identifiers: ClinVar variation 2125990 (VCV002125990.4), dbSNP rs2509393057, ClinGen allele CA400660808.